The following is an entry in ClinVar:

ClinVar aggregate classification (germline): Uncertain significance (1 of 4 stars; one submission).

Submission:

GeneDx
Classification: Uncertain significance. Last evaluated: 2023-10-17. Review status: criteria provided, single submitter. Criteria: GeneDx Variant Classification Process June 2021. Collection method: clinical testing. Allele origin: germline. Affected: yes.
Comment: Not observed at significant frequency in large population cohorts (gnomAD); In silico analysis supports that this missense variant does not alter protein structure/function; Has not been previously published as pathogenic or benign to our knowledge

NM_000815.5(GABRD):c.277C>G (p.Gln93Glu)

Gene: GABRD (gamma-aminobutyric acid type A receptor subunit delta; plus strand). Cytogenetic location: 1p36.33.
Variant type: single nucleotide variant.
Coding change: c.277C>G on transcript NM_000815.5 (MANE Select); coding-DNA position 277, C replaced by G.
Protein change: p.Gln93Glu; replaces glutamine 93 with glutamic acid.
Molecular consequence: missense variant.
Genome position (GRCh38, 1-based): chr1:2,025,545, C>G. VCF-style: chr1-2025545-C-G. GRCh37 (hg19) VCF-style: chr1-1956984-C-G.
Other names: short protein forms Q93E.
Identifiers: ClinVar variation 3366225 (VCV003366225.1).